The following is an entry in ClinVar:

NM_001128840.3(CACNA1D):c.3167+6C>T

Gene: CACNA1D (calcium voltage-gated channel subunit alpha1 D; plus strand). Cytogenetic location: 3p21.1.
Variant type: single nucleotide variant.
Coding change: c.3167+6C>T on transcript NM_001128840.3 (MANE Select); 6 bases into the intron after coding-DNA position 3167, C replaced by T.
Molecular consequence: intron variant.
Genome position (GRCh38, 1-based): chr3:53,745,881, C>T. VCF-style: chr3-53745881-C-T. GRCh37 (hg19) VCF-style: chr3-53779908-C-T.
Other names: c.3167+6C>T (NM_001128839.3); c.3227+6C>T (NM_000720.4).
Identifiers: ClinVar variation 1471018 (VCV001471018.6), dbSNP rs760176295, ClinGen allele CA2454466.
Genomic context (GRCh38, chr3:53,745,881, plus strand): 5'-AGGGGAAGTTCTATCGCTGTACGGATGAAGCCAAAAGTAACCCTGAAGAATGCAGGTGAG[C>T]GTCCTGAGAGTGGAGTAGGGGACTTAGAAGAGCAAATAGCAGACTTCAAGGATTCACACA-3'

ClinVar aggregate classification (germline): Uncertain significance (1 of 4 stars; one submission).

Allele frequency attached by ClinVar (database versions not stated): gnomAD exomes 0.00001 and 0.00002; ExAC 0.00002.
gnomAD v4.1: 18 of 1,610,040 alleles (0.0011%); highest among the groups gnomAD compares: East Asian, 0.011%; no homozygotes.

Submission:

Labcorp Genetics (formerly Invitae), Labcorp
Classification: Uncertain significance. Last evaluated: 2025-11-10. Review status: criteria provided, single submitter. Criteria: Invitae Variant Classification Sherloc (09022015). Collection method: clinical testing. Allele origin: germline.
Comment: This sequence change falls in intron 26 of the CACNA1D gene. It does not directly change the encoded amino acid sequence of the CACNA1D protein. It affects a nucleotide within the consensus splice site. This variant is present in population databases (rs760176295, gnomAD 0.01%). This variant has not been reported in the literature in individuals affected with CACNA1D-related conditions. ClinVar contains an entry for this variant (Variation ID: 1471018). Variants that disrupt the consensus splice site are a relatively common cause of aberrant splicing (PMID: 17576681, 9536098). Algorithms developed to predict the effect of sequence changes on RNA splicing suggest that this variant is not likely to affect RNA splicing. In summary, the available evidence is currently insufficient to determine the role of this variant in disease. Therefore, it has been classified as a Variant of Uncertain Significance.

Literature cited by the submitters: PubMed 17576681; PubMed 9536098.